The following is an entry in ClinVar:

NM_002470.4(MYH3):c.5806C>A (p.His1936Asn)

Gene: MYH3 (myosin heavy chain 3; minus strand). Cytogenetic location: 17p13.1.
Variant type: single nucleotide variant.
Coding change: c.5806C>A on transcript NM_002470.4 (MANE Select); coding-DNA position 5806, C replaced by A.
Protein change: p.His1936Asn; replaces histidine 1936 with asparagine.
Molecular consequence: missense variant.
Genome position (GRCh38, 1-based): chr17:10,628,670, G>T on the plus strand (C>A on the coding strand, the complement: MYH3 is on the minus strand). VCF-style: chr17-10628670-G-T. GRCh37 (hg19) VCF-style: chr17-10531987-G-T.
Other names: short protein forms H1936N.
Identifiers: ClinVar variation 3629987 (VCV003629987.3).
Genomic context (GRCh38, chr17:10,628,670, plus strand): 5'-TATACATTTTGCATATCTTCTGTCCTGCTCCAGAAGGGCTGGCTCACTCTTCACTCTCGT[G>T]GACCACCATCTAGGAAGAAAGTAGGCACCTGGAGTCAAGTCGGGTGGCAGAGACACATTC-3'
Protein context (NP_002461.2, residues 1926-1940): RDFTSSRMVV[His1936Asn]ESEE

ClinVar aggregate classification (germline): Uncertain significance. Review status: criteria provided, multiple submitters, no conflicts (2 of 4 stars). 2 submissions from 2 submitters: Uncertain significance (2). Last evaluated 2024-11-19.

gnomAD v4.1: 2 of 1,614,050 alleles (0.00012%); highest among the groups gnomAD compares: African/African-American, 0.0027%; no homozygotes.

Submissions (2):

Women's Health and Genetics/Laboratory Corporation of America, LabCorp
Classification: Uncertain significance. Last evaluated: 2024-11-19. Review status: criteria provided, single submitter. Criteria: LabCorp Variant Classification Summary - May 2015. Collection method: clinical testing. Allele origin: germline.
Comment: Variant summary: MYH3 c.5806C>A (p.His1936Asn) results in a conservative amino acid change in the encoded protein sequence. Four of five in-silico tools predict a benign effect of the variant on protein function. The variant allele was found at a frequency of 4e-06 in 249288 control chromosomes. The available data on variant occurrences in the general population are insufficient to allow any conclusion about variant significance. To our knowledge, no occurrence of c.5806C>A in individuals affected with MYH3-Related Disorders and no experimental evidence demonstrating its impact on protein function have been reported. No submitters have cited clinical-significance assessments for this variant to ClinVar. Based on the evidence outlined above, the variant was classified as uncertain significance.

Labcorp Genetics (formerly Invitae), Labcorp
Classification: Uncertain significance. Last evaluated: 2024-05-25. Review status: criteria provided, single submitter. Criteria: Invitae Variant Classification Sherloc (09022015). Collection method: clinical testing. Allele origin: germline.
Comment: This sequence change replaces histidine, which is basic and polar, with asparagine, which is neutral and polar, at codon 1936 of the MYH3 protein (p.His1936Asn). This variant is present in population databases (rs775287416, gnomAD 0.008%). This variant has not been reported in the literature in individuals affected with MYH3-related conditions. Advanced modeling of protein sequence and biophysical properties (such as structural, functional, and spatial information, amino acid conservation, physicochemical variation, residue mobility, and thermodynamic stability) performed at Invitae indicates that this missense variant is not expected to disrupt MYH3 protein function with a negative predictive value of 95%. In summary, the available evidence is currently insufficient to determine the role of this variant in disease. Therefore, it has been classified as a Variant of Uncertain Significance.